The following is an entry in ClinVar:

ClinVar aggregate classification (germline): Uncertain significance (1 of 4 stars; one submission).

Submission:

GeneDx
Classification: Uncertain significance. Last evaluated: 2024-02-29. Review status: criteria provided, single submitter. Criteria: GeneDx Variant Classification Process June 2021. Collection method: clinical testing. Allele origin: germline. Affected: yes.
Comment: Not observed at significant frequency in large population cohorts (gnomAD); In silico analysis supports that this missense variant has a deleterious effect on protein structure/function; Has not been previously published as pathogenic or benign to our knowledge

NM_001194.4(HCN2):c.1470C>G (p.His490Gln)

Gene: HCN2 (hyperpolarization activated cyclic nucleotide gated potassium and sodium channel 2; plus strand). Cytogenetic location: 19p13.3.
Variant type: single nucleotide variant.
Coding change: c.1470C>G on transcript NM_001194.4 (MANE Select); coding-DNA position 1470, C replaced by G.
Protein change: p.His490Gln; replaces histidine 490 with glutamine.
Molecular consequence: missense variant.
Genome position (GRCh38, 1-based): chr19:610,291, C>G. VCF-style: chr19-610291-C-G. GRCh37 (hg19) VCF-style: chr19-610291-C-G.
Other names: short protein forms H490Q.
Identifiers: ClinVar variation 3369614 (VCV003369614.1).
Genomic context (GRCh38, chr19:610,291, plus strand): 5'-CTGACCCAGCCTCGCCTCCTCCCCACAGTACAAGCAGGTGGAGCAGTACATGTCCTTCCA[C>G]AAGCTGCCAGCTGACTTCCGCCAGAAGATCCACGACTACTATGAGCACCGTTACCAGGGC-3'
Protein context (NP_001185.3, residues 480-500): YKQVEQYMSF[His490Gln]KLPADFRQKI